The following is an entry in ClinVar:

ClinVar aggregate classification (germline): Uncertain significance (1 of 4 stars; one submission).

Conditions:
Colorectal cancer, hereditary nonpolyposis, type 7. Identifiers: Orphanet 144, MedGen C1858380, MONDO:0013725, OMIM 614385.

Submission:

Labcorp Genetics (formerly Invitae), Labcorp
Classification: Uncertain significance for Colorectal cancer, hereditary nonpolyposis, type 7. Last evaluated: 2024-03-13. Review status: criteria provided, single submitter. Criteria: Invitae Variant Classification Sherloc (09022015). Collection method: clinical testing. Allele origin: germline.
Comment: This sequence change replaces tyrosine, which is neutral and polar, with cysteine, which is neutral and slightly polar, at codon 215 of the MLH3 protein (p.Tyr215Cys). This variant is not present in population databases (gnomAD no frequency). This variant has not been reported in the literature in individuals affected with MLH3-related conditions. An algorithm developed to predict the effect of missense changes on protein structure and function (PolyPhen-2) suggests that this variant is likely to be disruptive. In summary, the available evidence is currently insufficient to determine the role of this variant in disease. Therefore, it has been classified as a Variant of Uncertain Significance.

NM_001040108.2(MLH3):c.644A>G (p.Tyr215Cys)

Gene: MLH3 (mutL homolog 3; minus strand). Cytogenetic location: 14q24.3.
Variant type: single nucleotide variant.
Coding change: c.644A>G on transcript NM_001040108.2 (MANE Select); coding-DNA position 644, A replaced by G.
Protein change: p.Tyr215Cys; replaces tyrosine 215 with cysteine.
Molecular consequence: missense variant.
Genome position (GRCh38, 1-based): chr14:75,049,012, T>C on the plus strand (A>G on the coding strand, the complement: MLH3 is on the minus strand). VCF-style: chr14-75049012-T-C. GRCh37 (hg19) VCF-style: chr14-75515715-T-C.
Other names: c.644A>G, p.Tyr215Cys (NM_014381.3); short protein forms Y215C.
Identifiers: ClinVar variation 3716199 (VCV003716199.2).
Genomic context (GRCh38, chr14:75,049,012, plus strand): 5'-AGCTCAAACTCTTTATATTTAAAACTTATTTCTCTTAGCTTTTGGGACTTTCCCAATCCA[T>C]AAATTTGACAAAATCGGGAACATACGTCTTTGGTTTTAGGGAGCTGAAGAACCATGGAAC-3'
Protein context (NP_001035197.1, residues 205-225): KDVCSRFCQI[Tyr215Cys]GLGKSQKLRE